The following is an entry in ClinVar:

NM_013266.4(CTNNA3):c.2205G>A (p.Ala735=)

Gene: CTNNA3 (catenin alpha 3; minus strand). Cytogenetic location: 10q21.3.
Variant type: single nucleotide variant.
Coding change: c.2205G>A on transcript NM_013266.4 (MANE Select); coding-DNA position 2205, G replaced by A.
Protein change: p.Ala735=; no amino-acid change (alanine 735 retained).
Molecular consequence: synonymous variant.
Genome position (GRCh38, 1-based): chr10:65,988,752, C>T on the plus strand (G>A on the coding strand, the complement: CTNNA3 is on the minus strand). VCF-style: chr10-65988752-C-T. GRCh37 (hg19) VCF-style: chr10-67748510-C-T.
Other names: c.2205G>A (NM_013266.2, NM_013266.3); c.2205G>A, p.Ala735= (NM_001127384.3).
Identifiers: ClinVar variation 1593069 (VCV001593069.11), dbSNP rs745959148, ClinGen allele CA5519666.

ClinVar aggregate classification (germline): Likely benign. Review status: criteria provided, multiple submitters, no conflicts (2 of 4 stars). 3 submissions from 3 submitters: Likely benign (2). 1 of the submissions does not count toward it. Last evaluated 2026-01-13.

Conditions:
CTNNA3-related disorder. Also called: CTNNA3-related condition.
Arrhythmogenic right ventricular dysplasia 13. Also called: ARRHYTHMOGENIC RIGHT VENTRICULAR CARDIOMYOPATHY 13; Arrhythmogenic right ventricular dysplasia, familial, 13. Identifiers: MedGen C3810138, MONDO:0000908, OMIM 615616.

Allele frequency attached by ClinVar (database versions not stated): gnomAD exomes below 0.00001 and 0.00002; gnomAD 0.00001; ExAC 0.00002; TOPMed 0.00002.
gnomAD v4.1: 6 of 1,613,860 alleles (0.00037%); highest among the groups gnomAD compares: Admixed American, 0.0083%; no homozygotes.

Submissions (3):

Labcorp Genetics (formerly Invitae), Labcorp
Classification: Likely benign for Arrhythmogenic right ventricular dysplasia 13. Last evaluated: 2026-01-13. Review status: criteria provided, single submitter. Criteria: Invitae Variant Classification Sherloc (09022015). Collection method: clinical testing. Allele origin: germline.

Ambry Genetics
Classification: Likely benign. Last evaluated: 2025-08-24. Review status: criteria provided, single submitter. Criteria: Ambry Variant Classification Scheme 2023. Collection method: clinical testing. Allele origin: germline.

PreventionGenetics, part of Exact Sciences
Classification: Likely benign for CTNNA3-related condition. Last evaluated: 2019-07-16. Review status: no assertion criteria provided. Collection method: clinical testing. Allele origin: germline. Not counted in ClinVar's aggregate classification.
Comment: This variant is classified as likely benign based on ACMG/AMP sequence variant interpretation guidelines (Richards et al. 2015 PMID: 25741868, with internal and published modifications).